The following is an entry in ClinVar:

NM_000132.4(F8):c.2056A>G (p.Thr686Ala)

Gene: F8 (coagulation factor VIII; minus strand). Cytogenetic location: Xq28.
Variant type: single nucleotide variant.
Coding change: c.2056A>G on transcript NM_000132.4 (MANE Select); coding-DNA position 2056, A replaced by G.
Protein change: p.Thr686Ala; replaces threonine 686 with alanine.
Molecular consequence: missense variant.
Genome position (GRCh38, 1-based): chrX:154,947,755, T>C on the plus strand (A>G on the coding strand, the complement: F8 is on the minus strand). VCF-style: chrX-154947755-T-C. GRCh37 (hg19) VCF-style: chrX-154176030-T-C.
Other names: short protein forms T686A.
Identifiers: ClinVar variation 3390504 (VCV003390504.1).

ClinVar aggregate classification (germline): Uncertain significance (1 of 4 stars; one submission).

gnomAD v4.1: 4 of 1,209,417 alleles (0.00033%); highest among the groups gnomAD compares: African/African-American, 0.0052%; no homozygotes.

Submission:

GeneDx
Classification: Uncertain significance. Last evaluated: 2024-06-14. Review status: criteria provided, single submitter. Criteria: GeneDx Variant Classification Process June 2021. Collection method: clinical testing. Allele origin: germline. Affected: yes.
Comment: Not observed at significant frequency in large population cohorts (gnomAD); In silico analysis indicates that this missense variant does not alter protein structure/function; Has not been previously published as pathogenic or benign to our knowledge